The following is an entry in ClinVar:

ClinVar aggregate classification (germline): Pathogenic (1 of 4 stars; one submission).

Conditions:
Duchenne muscular dystrophy (DMD). Also called: MUSCULAR DYSTROPHY, PSEUDOHYPERTROPHIC PROGRESSIVE, DUCHENNE TYPE; Duchenne Muscular Dystrophy (DMD). Identifiers: Orphanet 98896, MedGen C0013264, MONDO:0010679, OMIM 310200.

Submission:

Labcorp Genetics (formerly Invitae), Labcorp
Classification: Pathogenic for Duchenne muscular dystrophy. Last evaluated: 2021-08-07. Review status: criteria provided, single submitter. Criteria: Invitae Variant Classification Sherloc (09022015). Collection method: clinical testing. Allele origin: germline.
Comment: This variant is not present in population databases (ExAC no frequency). This sequence change creates a premature translational stop signal (p.Ala203Asnfs*2) in the DMD gene. It is expected to result in an absent or disrupted protein product. Loss-of-function variants in DMD are known to be pathogenic (PMID: 16770791, 25007885). This variant has not been reported in the literature in individuals affected with DMD-related conditions. For these reasons, this variant has been classified as Pathogenic.

Literature cited by the submitters: PubMed 16770791; PubMed 25007885.

NM_004006.3(DMD):c.607_616del (p.Ala203fs)

Gene: DMD (dystrophin; minus strand). Cytogenetic location: Xp21.1.
Variant type: Deletion.
Coding change: c.607_616del on transcript NM_004006.3 (MANE Select); coding-DNA positions 607 to 616, 10 bases deleted (GCCAGATATC; older notation c.607_616delGCCAGATATC).
Protein change: p.Ala203fs; shifts the reading frame from alanine 203.
Molecular consequence: frameshift variant.
Genome position (GRCh38, 1-based): chrX:32,809,526-32,809,535, GATATCTGGC deleted on the plus strand (GCCAGATATC on the coding strand, the reverse complement: DMD is on the minus strand); deleting any 10 consecutive bases within chrX:32,809,526-32,809,538 gives the same sequence; the c. name uses the placement nearest the transcript's 3' end. VCF-style (leftmost placement, unchanged base first): chrX-32809525-TGATATCTGGC-T. GRCh37 (hg19) VCF-style: chrX-32827642-TGATATCTGGC-T.
Other names: c.583_592del, p.Ala195fs (NM_000109.4); c.595_604del, p.Ala199fs (NM_004009.3); c.238_247del, p.Ala80fs (NM_004010.3); short protein forms A203fs, A80fs, A195fs, A199fs.
Identifiers: ClinVar variation 1436600 (VCV001436600.6), dbSNP rs2148750934, ClinGen allele CA2573158590.